The following is an entry in ClinVar:

ClinVar aggregate classification (germline): Uncertain significance. Review status: criteria provided, multiple submitters, no conflicts (2 of 4 stars). 2 submissions from 2 submitters: Uncertain significance (2). Last evaluated 2024-06-03.

Conditions:
Inborn genetic diseases. Identifiers: MedGen C0950123, MeSH D030342.

Allele frequency attached by ClinVar (database versions not stated): gnomAD 0.00001; gnomAD exomes below 0.00001; TOPMed below 0.00001; ExAC 0.00001.
gnomAD v4.1: 7 of 1,612,844 alleles (0.00043%); highest among the groups gnomAD compares: African/African-American, 0.004%; no homozygotes.

Submissions (2):

GeneDx
Classification: Uncertain significance. Last evaluated: 2024-06-03. Review status: criteria provided, single submitter. Criteria: GeneDx Variant Classification Process June 2021. Collection method: clinical testing. Allele origin: germline. Affected: yes.
Comment: In silico analysis indicates that this missense variant does not alter protein structure/function; In silico analysis suggests this variant may impact gene splicing. In the absence of RNA/functional studies, the actual effect of this sequence change is unknown.; Has not been previously published as pathogenic or benign to our knowledge; Variants in candidate genes are classified as variants of uncertain significance in accordance with ACMG guidelines (PMID: 25741868)

Ambry Genetics
Classification: Uncertain significance for Inborn genetic diseases. Last evaluated: 2024-01-24. Review status: criteria provided, single submitter. Criteria: Ambry Variant Classification Scheme 2023. Collection method: clinical testing. Allele origin: germline.

NM_033026.6(PCLO):c.12010A>G (p.Ser4004Gly)

Gene: PCLO (piccolo presynaptic cytomatrix protein; minus strand). Cytogenetic location: 7q21.11.
Variant type: single nucleotide variant.
Coding change: c.12010A>G on transcript NM_033026.6 (MANE Select); coding-DNA position 12010, A replaced by G.
Protein change: p.Ser4004Gly; replaces serine 4004 with glycine.
Molecular consequence: missense variant.
Genome position (GRCh38, 1-based): chr7:82,915,976, T>C on the plus strand (A>G on the coding strand, the complement: PCLO is on the minus strand). VCF-style: chr7-82915976-T-C. GRCh37 (hg19) VCF-style: chr7-82545292-T-C.
Other names: c.12010A>G, p.Ser4004Gly (NM_014510.3); short protein forms S4004G.
Identifiers: ClinVar variation 3210252 (VCV003210252.2), dbSNP rs759582941, ClinGen allele CA4319458.